The following is an entry in ClinVar:

NM_001020658.2(PUM1):c.2899G>A (p.Val967Met)

Gene: PUM1 (pumilio RNA binding family member 1; minus strand). Cytogenetic location: 1p35.2.
Variant type: single nucleotide variant.
Coding change: c.2899G>A on transcript NM_001020658.2 (MANE Select); coding-DNA position 2899, G replaced by A.
Protein change: p.Val967Met; replaces valine 967 with methionine.
Molecular consequence: missense variant.
Genome position (GRCh38, 1-based): chr1:30,945,441, C>T on the plus strand (G>A on the coding strand, the complement: PUM1 is on the minus strand). VCF-style: chr1-30945441-C-T. GRCh37 (hg19) VCF-style: chr1-31418288-C-T.
Other names: c.2893G>A, p.Val965Met (NM_014676.3); short protein forms V965M, V967M.
Identifiers: ClinVar variation 4527758 (VCV004527758.1).
Genomic context (GRCh38, chr1:30,945,441, plus strand): 5'-ACTGGGGCTGTACACATTCAATGCATTTCTGAACCACGTGATTGCCATTCTGATCTTTCA[C>T]ACACTTCAAGACATGGCCATCTAGTTCCCGAACCATCTCATTCTAATGGAGACAAAGAAA-3'
Protein context (NP_001018494.1, residues 957-977): RELDGHVLKC[Val967Met]KDQNGNHVVQ

ClinVar aggregate classification (germline): Uncertain significance (1 of 4 stars; one submission).

Submission:

GeneDx
Classification: Uncertain significance. Last evaluated: 2025-04-30. Review status: criteria provided, single submitter. Criteria: GeneDx Variant Classification Process June 2021. Collection method: clinical testing. Allele origin: germline. Affected: yes.
Comment: Not observed at significant frequency in large population cohorts (gnomAD); In silico analysis supports that this missense variant has a deleterious effect on protein structure/function; Has not been previously published as pathogenic or benign to our knowledge